The following is an entry in ClinVar:

NM_000057.4(BLM):c.615G>T (p.Lys205Asn)

Gene: BLM (BLM RecQ like helicase; plus strand). Cytogenetic location: 15q26.1.
Variant type: single nucleotide variant.
Coding change: c.615G>T on transcript NM_000057.4 (MANE Select); coding-DNA position 615, G replaced by T.
Protein change: p.Lys205Asn; replaces lysine 205 with asparagine.
Molecular consequence: missense variant. On other transcripts: 5 prime UTR variant (1).
Genome position (GRCh38, 1-based): chr15:90,749,883, G>T. VCF-style: chr15-90749883-G-T. GRCh37 (hg19) VCF-style: chr15-91293113-G-T.
Other names: c.615G>T (NM_000057.2); c.615G>T, p.Lys205Asn (NM_001287246.2, NM_001287247.2); c.-677G>T (NM_001287248.2); short protein forms K205N.
Identifiers: ClinVar variation 1026240 (VCV001026240.9), dbSNP rs28903082, ClinGen allele CA393841177.

ClinVar aggregate classification (germline): Uncertain significance. Review status: criteria provided, multiple submitters, no conflicts (2 of 4 stars). 2 submissions from 2 submitters: Uncertain significance (2). Last evaluated 2025-05-04.

Conditions:
Hereditary cancer-predisposing syndrome. Also called: Neoplastic Syndromes, Hereditary; Tumor predisposition; Hereditary Cancer Syndrome; Hereditary neoplastic syndrome. Identifiers: Orphanet 140162, MedGen C0027672, MeSH D009386, MONDO:0015356.
Bloom syndrome (BLM). Also called: Bloom-Torre-Machacek syndrome. Identifiers: Orphanet 125, MedGen C0005859, MONDO:0008876, OMIM 210900.

Submissions (2):

Ambry Genetics
Classification: Uncertain significance for Hereditary cancer-predisposing syndrome. Last evaluated: 2025-05-04. Review status: criteria provided, single submitter. Criteria: Ambry Variant Classification Scheme 2023. Collection method: clinical testing. Allele origin: germline.

Labcorp Genetics (formerly Invitae), Labcorp
Classification: Uncertain significance for Bloom syndrome. Last evaluated: 2022-03-04. Review status: criteria provided, single submitter. Criteria: Invitae Variant Classification Sherloc (09022015). Collection method: clinical testing. Allele origin: germline.
Comment: This variant has not been reported in the literature in individuals affected with BLM-related conditions. In summary, the available evidence is currently insufficient to determine the role of this variant in disease. Therefore, it has been classified as a Variant of Uncertain Significance. Algorithms developed to predict the effect of missense changes on protein structure and function (SIFT, PolyPhen-2, Align-GVGD) all suggest that this variant is likely to be tolerated. ClinVar contains an entry for this variant (Variation ID: 1026240). This variant is not present in population databases (gnomAD no frequency). This sequence change replaces lysine, which is basic and polar, with asparagine, which is neutral and polar, at codon 205 of the BLM protein (p.Lys205Asn).